The following is an entry in ClinVar:

NM_001171.6(ABCC6):c.2591-1G>T

Gene: ABCC6 (ATP binding cassette subfamily C member 6; minus strand). Cytogenetic location: 16p13.11.
Variant type: single nucleotide variant.
Coding change: c.2591-1G>T on transcript NM_001171.6 (MANE Select); the canonical splice acceptor site of the intron before coding-DNA position 2591, G replaced by T.
Molecular consequence: splice acceptor variant.
Genome position (GRCh38, 1-based): chr16:16,175,987, C>A on the plus strand (G>T on the coding strand, the complement: ABCC6 is on the minus strand). VCF-style: chr16-16175987-C-A. GRCh37 (hg19) VCF-style: chr16-16269844-C-A.
Other names: c.2249-1G>T (NM_001351800.1).
Identifiers: ClinVar variation 430257 (VCV000430257.7), dbSNP rs1131691865, ClinGen allele CA394887107.

ClinVar aggregate classification (germline): Likely pathogenic. Review status: criteria provided, multiple submitters, no conflicts (2 of 4 stars). 3 submissions from 3 submitters: Likely pathogenic (3). Last evaluated 2026-02-13.

Conditions:
Arterial calcification, generalized, of infancy, 2. Identifiers: Orphanet 51608, MedGen C3276161, MONDO:0013768, OMIM 614473.
Autosomal recessive inherited pseudoxanthoma elasticum (PXE). Identifiers: Orphanet 758, MedGen CN032334, MONDO:0009925, OMIM 264800.
Pseudoxanthoma elasticum, forme fruste. Also called: Pseudoxanthoma Elasticum, Incomplete; PSEUDOXANTHOMA ELASTICUM, HETEROZYGOUS. Identifiers: Orphanet 758, MedGen C1867450, MONDO:0008333, OMIM 177850.

Allele frequency attached by ClinVar (database versions not stated): gnomAD exomes 0.00001.
gnomAD v4.1: 9 of 1,614,130 alleles (0.00056%); highest among the groups gnomAD compares: Non-Finnish European, 0.00076%; no homozygotes.

Submissions (3):

GeneDx
Classification: Likely pathogenic. Last evaluated: 2026-02-13. Review status: criteria provided, single submitter. Criteria: GeneDx Variant Classification Process June 2021. Collection method: clinical testing. Allele origin: germline. Affected: yes.
Comment: Canonical splice site variant predicted to result in a null allele in a gene for which loss of function is a known mechanism of disease; Not observed at significant frequency in large population cohorts (gnomAD); Has not been previously published as pathogenic or benign to our knowledge

Fulgent Genetics
Classification: Likely pathogenic for Pseudoxanthoma elasticum, forme fruste; Autosomal recessive inherited pseudoxanthoma elasticum; Arterial calcification, generalized, of infancy, 2. Last evaluated: 2024-06-12. Review status: criteria provided, single submitter. Criteria: ACMG Guidelines, 2015. Collection method: clinical testing. Allele origin: germline.

Labcorp Genetics (formerly Invitae), Labcorp
Classification: Likely pathogenic. Last evaluated: 2024-03-27. Review status: criteria provided, single submitter. Criteria: Invitae Variant Classification Sherloc (09022015). Collection method: clinical testing. Allele origin: germline.
Comment: This sequence change affects an acceptor splice site in intron 19 of the ABCC6 gene. It is expected to disrupt RNA splicing. Variants that disrupt the donor or acceptor splice site typically lead to a loss of protein function (PMID: 16199547), and loss-of-function variants in ABCC6 are known to be pathogenic (PMID: 11536079, 17617515). This variant is present in population databases (no rsID available, gnomAD 0.002%). This variant has not been reported in the literature in individuals affected with ABCC6-related conditions. ClinVar contains an entry for this variant (Variation ID: 430257). Algorithms developed to predict the effect of sequence changes on RNA splicing suggest that this variant may disrupt the consensus splice site. In summary, the currently available evidence indicates that the variant is pathogenic, but additional data are needed to prove that conclusively. Therefore, this variant has been classified as Likely Pathogenic.

Literature cited by the submitters: PubMed 16199547 (cited by Labcorp Genetics (formerly Invitae), Labcorp); PubMed 11536079 (cited by Labcorp Genetics (formerly Invitae), Labcorp); PubMed 17617515 (cited by Labcorp Genetics (formerly Invitae), Labcorp).